The following is an entry in ClinVar:

NM_000051.4(ATM):c.2782T>G (p.Leu928Val)

Gene: ATM (ATM serine/threonine kinase; plus strand). Cytogenetic location: 11q22.3.
Variant type: single nucleotide variant.
Coding change: c.2782T>G on transcript NM_000051.4 (MANE Select); coding-DNA position 2782, T replaced by G.
Protein change: p.Leu928Val; replaces leucine 928 with valine.
Molecular consequence: missense variant.
Genome position (GRCh38, 1-based): chr11:108,268,553, T>G. VCF-style: chr11-108268553-T-G. GRCh37 (hg19) VCF-style: chr11-108139280-T-G.
Other names: c.2782T>G, p.Leu928Val (NM_001351834.2); short protein forms L928V.
Identifiers: ClinVar variation 3781301 (VCV003781301.1).

ClinVar aggregate classification (germline): Uncertain significance (1 of 4 stars; one submission).

Submission:

GeneDx
Classification: Uncertain significance. Last evaluated: 2024-10-20. Review status: criteria provided, single submitter. Criteria: GeneDx Variant Classification Process June 2021. Collection method: clinical testing. Allele origin: germline. Affected: yes.
Comment: Not observed at significant frequency in large population cohorts (gnomAD); In silico analysis indicates that this missense variant does not alter protein structure/function; Has not been previously published as pathogenic or benign to our knowledge